The following is an entry in ClinVar:

NM_014611.3(MDN1):c.4084C>T (p.His1362Tyr)

Gene: MDN1 (midasin AAA ATPase 1; minus strand). Cytogenetic location: 6q15.
Variant type: single nucleotide variant.
Coding change: c.4084C>T on transcript NM_014611.3 (MANE Select); coding-DNA position 4084, C replaced by T.
Protein change: p.His1362Tyr; replaces histidine 1362 with tyrosine.
Molecular consequence: missense variant.
Genome position (GRCh38, 1-based): chr6:89,745,367, G>A on the plus strand (C>T on the coding strand, the complement: MDN1 is on the minus strand). VCF-style: chr6-89745367-G-A. GRCh37 (hg19) VCF-style: chr6-90455086-G-A.
Other names: c.4084C>T (NM_014611.2); short protein forms H1362Y.
Identifiers: ClinVar variation 2348911 (VCV002348911.5), dbSNP rs753147510, ClinGen allele CA3925186.

ClinVar aggregate classification (germline): Uncertain significance. Review status: criteria provided, single submitter (1 of 4 stars). 2 submissions from 2 submitters: Uncertain significance (1). 1 of the submissions does not count toward it. Last evaluated 2025-05-05.

Conditions:
MDN1-related disorder. Also called: MDN1-related condition.

Allele frequency attached by ClinVar (database versions not stated): ExAC 0.00016; gnomAD exomes 0.00008; TOPMed 0.00027; gnomAD 0.00015.
gnomAD v4.1: 142 of 1,613,936 alleles (0.0088%); highest among the groups gnomAD compares: Admixed American, 0.22%; no homozygotes.

Submissions (2):

Ambry Genetics
Classification: Uncertain significance. Last evaluated: 2025-05-05. Review status: criteria provided, single submitter. Criteria: Ambry Variant Classification Scheme 2023. Collection method: clinical testing. Allele origin: germline.

PreventionGenetics, part of Exact Sciences
Classification: Likely benign for MDN1-related condition. Last evaluated: 2022-04-12. Review status: no assertion criteria provided. Collection method: clinical testing. Allele origin: germline. Not counted in ClinVar's aggregate classification.
Comment: This variant is classified as likely benign based on ACMG/AMP sequence variant interpretation guidelines (Richards et al. 2015 PMID: 25741868, with internal and published modifications).